The following is an entry in ClinVar:

ClinVar aggregate classification (germline): Uncertain significance (1 of 4 stars; one submission).

Allele frequency attached by ClinVar (database versions not stated): gnomAD exomes below 0.00001; TOPMed below 0.00001.

Submission:

Labcorp Genetics (formerly Invitae), Labcorp
Classification: Uncertain significance. Last evaluated: 2021-02-19. Review status: criteria provided, single submitter. Criteria: Invitae Variant Classification Sherloc (09022015). Collection method: clinical testing. Allele origin: germline.
Comment: In summary, the available evidence is currently insufficient to determine the role of this variant in disease. Therefore, it has been classified as a Variant of Uncertain Significance. Advanced modeling of protein sequence and biophysical properties (such as structural, functional, and spatial information, amino acid conservation, physicochemical variation, residue mobility, and thermodynamic stability) performed at Invitae indicates that this missense variant is not expected to disrupt FAT4 protein function. This variant has not been reported in the literature in individuals with FAT4-related conditions. This variant is not present in population databases (ExAC no frequency). This sequence change replaces threonine with asparagine at codon 3529 of the FAT4 protein (p.Thr3529Asn). The threonine residue is highly conserved and there is a small physicochemical difference between threonine and asparagine.

NM_001291303.3(FAT4):c.10592C>A (p.Thr3531Asn)

Gene: FAT4 (FAT atypical cadherin 4; plus strand). Cytogenetic location: 4q28.1.
Variant type: single nucleotide variant.
Coding change: c.10592C>A on transcript NM_001291303.3 (MANE Select); coding-DNA position 10592, C replaced by A.
Protein change: p.Thr3531Asn; replaces threonine 3531 with asparagine.
Molecular consequence: missense variant.
Genome position (GRCh38, 1-based): chr4:125,451,602, C>A. VCF-style: chr4-125451602-C-A. GRCh37 (hg19) VCF-style: chr4-126372757-C-A.
Other names: c.10592C>A, p.Thr3531Asn (NM_001291285.3); c.10586C>A, p.Thr3529Asn (NM_024582.6); short protein forms T3531N, T3529N.
Identifiers: ClinVar variation 1374212 (VCV001374212.8), dbSNP rs1726076353, ClinGen allele CA358159060.